The following is an entry in ClinVar:

NM_005732.4(RAD50):c.129+3_129+12del

Gene: RAD50 (RAD50 double strand break repair protein; plus strand). Cytogenetic location: 5q31.1.
Variant type: Deletion.
Coding change: c.129+3_129+12del on transcript NM_005732.4 (MANE Select); bases 3 to 12 of the intron after coding-DNA position 129, 10 bases deleted (AAGTCTTCAG; older notation c.129+3_129+12delAAGTCTTCAG).
Molecular consequence: intron variant.
Genome position (GRCh38, 1-based): chr5:132,557,456-132,557,465, AAGTCTTCAG deleted. VCF-style (leftmost placement, unchanged base first): chr5-132557455-TAAGTCTTCAG-T. GRCh37 (hg19) VCF-style: chr5-131893147-TAAGTCTTCAG-T.
Identifiers: ClinVar variation 573490 (VCV000573490.7), dbSNP rs1561627110, ClinGen allele CA891842967.

ClinVar aggregate classification (germline): Uncertain significance (1 of 4 stars; one submission).

Conditions:
Hereditary cancer-predisposing syndrome. Also called: Neoplastic Syndromes, Hereditary; Hereditary Cancer Syndrome; Tumor predisposition; Hereditary neoplastic syndrome. Identifiers: Orphanet 140162, MedGen C0027672, MeSH D009386, MONDO:0015356.

Submission:

Labcorp Genetics (formerly Invitae), Labcorp
Classification: Uncertain significance for Hereditary cancer-predisposing syndrome. Last evaluated: 2018-04-09. Review status: criteria provided, single submitter. Criteria: Invitae Variant Classification Sherloc (09022015). Collection method: clinical testing. Allele origin: germline.
Comment: This variant has not been reported in the literature in individuals with RAD50-related disease. This variant is not present in population databases (ExAC no frequency). This sequence change falls in intron 1 of the RAD50 gene. It does not directly change the encoded amino acid sequence of the RAD50 protein, but it affects a nucleotide within the consensus splice site of the intron. Nucleotide substitutions within the consensus splice site are a relatively common cause of aberrant splicing (PMID: 17576681, 9536098). Algorithms developed to predict the effect of sequence changes on RNA splicing suggest that this variant may disrupt the consensus splice site, but this prediction has not been confirmed by published transcriptional studies. In summary, the available evidence is currently insufficient to determine the role of this variant in disease. Therefore, it has been classified as a Variant of Uncertain Significance.

Literature cited by the submitters: PubMed 17576681; PubMed 9536098.